The following is an entry in ClinVar:

ClinVar aggregate classification (germline): Conflicting classifications of pathogenicity. Review status: criteria provided, conflicting classifications (1 of 4 stars). 3 submissions from 3 submitters: Uncertain significance (1); Benign (1); Likely benign (1). Last evaluated 2026-01-23.

Allele frequency attached by ClinVar (database versions not stated): gnomAD exomes 0.00024 and 0.00043; 1000 Genomes Project 0.00060; ExAC 0.00060; 1000 Genomes Project 30x 0.00062; TOPMed 0.00100; gnomAD 0.00101 and 0.00103; ESP Exome Variant Server 0.00131.
gnomAD v4.1: 518 of 1,613,460 alleles (0.032%); highest among the groups gnomAD compares: African/African-American, 0.3%; 1 homozygote.

Submissions (3):

GeneDx
Classification: Uncertain significance. Last evaluated: 2026-01-23. Review status: criteria provided, single submitter. Criteria: GeneDx Variant Classification Process June 2021. Collection method: clinical testing. Allele origin: germline.
Comment: Has not been previously published as pathogenic or benign to our knowledge; In silico analysis is inconclusive as to whether the variant alters gene splicing. In the absence of RNA/functional studies, the actual effect of this sequence change is unknown.

Labcorp Genetics (formerly Invitae), Labcorp
Classification: Benign. Last evaluated: 2026-01-09. Review status: criteria provided, single submitter. Criteria: Invitae Variant Classification Sherloc (09022015). Collection method: clinical testing. Allele origin: germline.

Blueprint Genetics
Classification: Likely benign. Last evaluated: 2024-08-27. Review status: criteria provided, single submitter. Criteria: ACMG Guidelines, 2015. Collection method: clinical testing. Allele origin: germline.

NM_138295.5(PKD1L1):c.1689A>G (p.Gln563=)

Gene: PKD1L1 (polycystin 1 like 1, transient receptor potential channel interacting; minus strand). Cytogenetic location: 7p12.3.
Variant type: single nucleotide variant.
Coding change: c.1689A>G on transcript NM_138295.5 (MANE Select); coding-DNA position 1689, A replaced by G.
Protein change: p.Gln563=; no amino-acid change (glutamine 563 retained).
Molecular consequence: synonymous variant.
Genome position (GRCh38, 1-based): chr7:47,905,159, T>C on the plus strand (A>G on the coding strand, the complement: PKD1L1 is on the minus strand). VCF-style: chr7-47905159-T-C. GRCh37 (hg19) VCF-style: chr7-47944756-T-C.
Identifiers: ClinVar variation 738276 (VCV000738276.10), dbSNP rs145526543, ClinGen allele CA4253984.
Genomic context (GRCh38, chr7:47,905,159, plus strand): 5'-GACTGAGTATAGGCTGCAGTACAAACAGCTACTCAGCAGGACTGCTACTTTTACTGACCA[T>C]TGGGGGATGCTGAGTCTTTTTTTAATGCTTCTTGAAGTTGTCCTCACTGGTGGATCCTCT-3'
Protein context (NP_612152.1, residues 553-573): RSIKKRLSIP[Gln563=]WYRVMVKASN